The following is an entry in ClinVar:

ClinVar aggregate classification (germline): Likely benign (0 of 4 stars; one submission).

Conditions:
PKD1L1-related disorder. Also called: PKD1L1-related condition.

Allele frequency attached by ClinVar (database versions not stated): gnomAD 0.00005; ESP Exome Variant Server 0.00015.
gnomAD v4.1: 97 of 1,613,572 alleles (0.006%); highest among the groups gnomAD compares: Non-Finnish European, 0.0076%; no homozygotes.

Submission:

PreventionGenetics, part of Exact Sciences
Classification: Likely benign for PKD1L1-related condition. Last evaluated: 2022-08-16. Review status: no assertion criteria provided. Collection method: clinical testing. Allele origin: germline.
Comment: This variant is classified as likely benign based on ACMG/AMP sequence variant interpretation guidelines (Richards et al. 2015 PMID: 25741868, with internal and published modifications).

NM_138295.5(PKD1L1):c.2433C>T (p.Asp811=)

Gene: PKD1L1 (polycystin 1 like 1, transient receptor potential channel interacting; minus strand). Cytogenetic location: 7p12.3.
Variant type: single nucleotide variant.
Coding change: c.2433C>T on transcript NM_138295.5 (MANE Select); coding-DNA position 2433, C replaced by T.
Protein change: p.Asp811=; no amino-acid change (aspartic acid 811 retained).
Molecular consequence: synonymous variant.
Genome position (GRCh38, 1-based): chr7:47,893,898, G>A on the plus strand (C>T on the coding strand, the complement: PKD1L1 is on the minus strand). VCF-style: chr7-47893898-G-A. GRCh37 (hg19) VCF-style: chr7-47933495-G-A.
Identifiers: ClinVar variation 3057885 (VCV003057885.2), dbSNP rs143429847, ClinGen allele CA4253757.
Genomic context (GRCh38, chr7:47,893,898, plus strand): 5'-TCTGAGTAGCTGCGCAGCTCTGTGTGGGGGTGGTGCTCACCTGAGAGTCGCCCCAGGGTC[G>A]TCAGGGTCGAAGGACTGGGTCCCTCTGAGGACAATGGGGGATGAGGTGGTCCTGGAGAAG-3'
Protein context (NP_612152.1, residues 801-821): VLRGTQSFDP[Asp811=]DPGATLRYHW